The following is an entry in ClinVar:

NM_032608.7(MYO18B):c.3865G>T (p.Glu1289Ter)

Gene: MYO18B (myosin XVIIIB; plus strand). Cytogenetic location: 22q12.1.
Variant type: single nucleotide variant.
Coding change: c.3865G>T on transcript NM_032608.7 (MANE Select); coding-DNA position 3865, G replaced by T.
Protein change: p.Glu1289Ter; replaces glutamic acid 1289 with a stop codon.
Molecular consequence: nonsense.
Genome position (GRCh38, 1-based): chr22:25,851,559, G>T. VCF-style: chr22-25851559-G-T. GRCh37 (hg19) VCF-style: chr22-26247526-G-T.
Other names: c.3868G>T, p.Glu1290Ter (NM_001318245.2); short protein forms E1289*, E1290*.
Identifiers: ClinVar variation 4717902 (VCV004717902.1).

ClinVar aggregate classification (germline): Pathogenic (1 of 4 stars; one submission).

Submission:

Labcorp Genetics (formerly Invitae), Labcorp
Classification: Pathogenic. Last evaluated: 2025-10-19. Review status: criteria provided, single submitter. Criteria: Invitae Variant Classification Sherloc (09022015). Collection method: clinical testing. Allele origin: germline.
Comment: This sequence change creates a premature translational stop signal (p.Glu1289*) in the MYO18B gene. It is expected to result in an absent or disrupted protein product. Loss-of-function variants in MYO18B are known to be pathogenic (PMID: 25748484, 32184166, 32637634). This variant is not present in population databases (gnomAD no frequency). This variant has not been reported in the literature in individuals affected with MYO18B-related conditions. For these reasons, this variant has been classified as Pathogenic.

Literature cited by the submitters: PubMed 25748484; PubMed 32184166; PubMed 32637634.